The following is an entry in ClinVar:

ClinVar aggregate classification (germline): Pathogenic/Likely pathogenic. Review status: criteria provided, multiple submitters, no conflicts (2 of 4 stars). 2 submissions from 2 submitters: Pathogenic (1); Likely pathogenic (1). Last evaluated 2023-03-07.

Conditions:
Autosomal recessive nonsyndromic hearing loss 23. Identifiers: Orphanet 90636, MedGen C1836027, MONDO:0012293, OMIM 609533.

Submissions (2):

Baylor Genetics
Classification: Likely pathogenic for Autosomal recessive nonsyndromic hearing loss 23. Last evaluated: 2023-03-07. Review status: criteria provided, single submitter. Criteria: ACMG Guidelines, 2015. Collection method: clinical testing. Allele origin: unknown.

Labcorp Genetics (formerly Invitae), Labcorp
Classification: Pathogenic. Last evaluated: 2021-03-25. Review status: criteria provided, single submitter. Criteria: Invitae Variant Classification Sherloc (09022015). Collection method: clinical testing. Allele origin: germline.
Comment: For these reasons, this variant has been classified as Pathogenic. This variant has not been reported in the literature in individuals with PCDH15-related conditions. This variant is not present in population databases (ExAC no frequency). This sequence change creates a premature translational stop signal (p.Tyr974Cysfs*5) in the PCDH15 gene. It is expected to result in an absent or disrupted protein product. Loss-of-function variants in PCDH15 are known to be pathogenic (PMID: 11398101, 11487575, 14570705).

Literature cited by the submitters: PubMed 11398101 (cited by Labcorp Genetics (formerly Invitae), Labcorp); PubMed 11487575 (cited by Labcorp Genetics (formerly Invitae), Labcorp); PubMed 14570705 (cited by Labcorp Genetics (formerly Invitae), Labcorp).

NM_001384140.1(PCDH15):c.2919_2923del (p.Tyr974fs)

Gene: PCDH15 (protocadherin related 15; minus strand). Cytogenetic location: 10q21.1.
Variant type: Deletion.
Coding change: c.2919_2923del on transcript NM_001384140.1 (MANE Select); coding-DNA positions 2919 to 2923, 5 bases deleted (TTACC; older notation c.2919_2923delTTACC).
Protein change: p.Tyr974fs; shifts the reading frame from tyrosine 974.
Molecular consequence: frameshift variant.
Genome position (GRCh38, 1-based): chr10:53,961,838-53,961,842, GGTAA deleted on the plus strand (TTACC on the coding strand, the reverse complement: PCDH15 is on the minus strand); deleting any 5 consecutive bases within chr10:53,961,838-53,961,844 gives the same sequence; the c. name uses the placement nearest the transcript's 3' end. VCF-style (leftmost placement, unchanged base first): chr10-53961837-GGGTAA-G. GRCh37 (hg19) VCF-style: chr10-55721597-GGGTAA-G.
Other names: c.2934_2938del, p.Tyr979fs (NM_001142763.2, NM_001142771.2); c.2919_2923del, p.Tyr974fs (NM_001142764.2, NM_001142766.2, NM_001142770.3 and 4 more transcripts); c.2706_2710del, p.Tyr903fs (NM_001142765.2); c.2808_2812del, p.Tyr937fs (NM_001142767.2); c.2853_2857del, p.Tyr952fs (NM_001142768.2, NM_001142773.2, NM_001354404.2); c.2953_2957delCCTTA, p.Tyr986Cysfs (NM_001142769.4); c.2940_2944del, p.Tyr981fs (NM_001354411.2); short protein forms Y903fs, Y937fs, Y979fs, Y981fs, Y986fs, Y952fs, Y974fs.
Identifiers: ClinVar variation 1400879 (VCV001400879.7), dbSNP rs2134302083, ClinGen allele CA2573145129.